The following is an entry in ClinVar:

NM_002857.4(PEX19):c.699G>T (p.Glu233Asp)

Gene: PEX19 (peroxisomal biogenesis factor 19; minus strand). Cytogenetic location: 1q23.2.
Variant type: single nucleotide variant.
Coding change: c.699G>T on transcript NM_002857.4 (MANE Select); coding-DNA position 699, G replaced by T.
Protein change: p.Glu233Asp; replaces glutamic acid 233 with aspartic acid.
Molecular consequence: missense variant. On other transcripts: non-coding transcript variant (2).
Genome position (GRCh38, 1-based): chr1:160,280,142, C>A on the plus strand (G>T on the coding strand, the complement: PEX19 is on the minus strand). VCF-style: chr1-160280142-C-A. GRCh37 (hg19) VCF-style: chr1-160249932-C-A.
Other names: c.699G>T, p.Glu233Asp (NM_001193644.1); short protein forms E233D.
Identifiers: ClinVar variation 1925373 (VCV001925373.2), dbSNP rs368870898, ClinGen allele CA1197274.

ClinVar aggregate classification (germline): Uncertain significance (1 of 4 stars; one submission).

Conditions:
Peroxisome biogenesis disorder 12A (Zellweger). Also called: Peroxisome biogenesis disorder 12A. Identifiers: Orphanet 912, MedGen C3554002, MONDO:0013951, OMIM 614886.

Allele frequency attached by ClinVar (database versions not stated): ExAC 0.00002; gnomAD 0.00004; TOPMed 0.00006; ESP Exome Variant Server 0.00008.

Submission:

Labcorp Genetics (formerly Invitae), Labcorp
Classification: Uncertain significance for Peroxisome biogenesis disorder 12A (Zellweger). Last evaluated: 2022-04-06. Review status: criteria provided, single submitter. Criteria: Invitae Variant Classification Sherloc (09022015). Collection method: clinical testing. Allele origin: germline.
Comment: This sequence change replaces glutamic acid, which is acidic and polar, with aspartic acid, which is acidic and polar, at codon 233 of the PEX19 protein (p.Glu233Asp). This variant is present in population databases (rs368870898, gnomAD 0.03%). This variant has not been reported in the literature in individuals affected with PEX19-related conditions. Algorithms developed to predict the effect of missense changes on protein structure and function (SIFT, PolyPhen-2, Align-GVGD) all suggest that this variant is likely to be tolerated. In summary, the available evidence is currently insufficient to determine the role of this variant in disease. Therefore, it has been classified as a Variant of Uncertain Significance.